The following is an entry in ClinVar:

NM_000179.3(MSH6):c.3438+14A>T

Gene: MSH6 (mutS homolog 6; plus strand). Cytogenetic location: 2p16.3.
Variant type: single nucleotide variant.
Coding change: c.3438+14A>T on transcript NM_000179.3 (MANE Select); 14 bases into the intron after coding-DNA position 3438, A replaced by T.
Molecular consequence: intron variant.
Genome position (GRCh38, 1-based): chr2:47,803,699, A>T. VCF-style: chr2-47803699-A-T. GRCh37 (hg19) VCF-style: chr2-48030838-A-T.
Other names: c.2532+14A>T (NM_001281493.2, NM_001281494.2); c.3048+14A>T (NM_001281492.2).
Identifiers: ClinVar variation 42471 (VCV000042471.52), dbSNP rs2020911, ClinGen allele CA012858.

ClinVar aggregate classification (germline): Benign. Review status: reviewed by expert panel (3 of 4 stars). 25 submissions from 25 submitters: Benign (1). 24 of the submissions do not count toward it. Last evaluated 2013-09-05.

Conditions:
Hereditary nonpolyposis colorectal neoplasms. Identifiers: MedGen C0009405, MeSH D003123.
Lynch syndrome 5 (LYNCH5). Also called: Colorectal cancer, hereditary nonpolyposis, type 5; Hereditary non-polyposis colorectal cancer, type 5. Identifiers: Orphanet 144, MedGen C1833477, MONDO:0013710, OMIM 614350. Disease mechanism: loss of function.
Endometrial carcinoma. Also called: Endometrial carcinoma, somatic. Identifiers: MedGen C0476089, MONDO:0002447, OMIM 608089, HP:0012114.
Mismatch repair cancer syndrome 3. Identifiers: MedGen C5436807, MONDO:0030841, OMIM 619097.
Breast and/or ovarian cancer. Identifiers: MedGen CN221562.
Hereditary cancer-predisposing syndrome. Also called: Tumor predisposition; Neoplastic Syndromes, Hereditary; Hereditary neoplastic syndrome; Hereditary Cancer Syndrome. Identifiers: Orphanet 140162, MedGen C0027672, MeSH D009386, MONDO:0015356.
Lynch syndrome. Identifiers: Orphanet 144, MedGen C4552100, MONDO:0005835. Disease mechanism: loss of function.

Allele frequency attached by ClinVar (database versions not stated): ESP Exome Variant Server 0.31462; gnomAD 0.32279 and 0.33351; TOPMed 0.33685; 1000 Genomes Project 0.40096; ExAC 0.40426; gnomAD exomes 0.41175.

Submissions (25):

International Society for Gastrointestinal Hereditary Tumours (InSiGHT)
Classification: Benign for Lynch Syndrome. Last evaluated: 2013-09-05. Review status: reviewed by expert panel. Criteria: Guidelines v1.9. Collection method: research. Allele origin: germline.
Comment: MAF >1%

Classified with v1.9 guidelines
ClinVar note: Converted during submission from no known pathogenicity to Benign.

Labcorp Genetics (formerly Invitae), Labcorp
Classification: Benign for Hereditary nonpolyposis colorectal neoplasms. Last evaluated: 2026-02-04. Review status: criteria provided, single submitter. Criteria: Invitae Variant Classification Sherloc (09022015). Collection method: clinical testing. Allele origin: germline. Not counted in ClinVar's aggregate classification.

ARUP Laboratories, Molecular Genetics and Genomics, ARUP Laboratories
Classification: Benign. Last evaluated: 2025-07-30. Review status: criteria provided, single submitter. Criteria: ARUP Molecular Germline Variant Investigation Process 2024. Collection method: clinical testing. Allele origin: germline. Not counted in ClinVar's aggregate classification.

GeneKor MSA
Classification: Benign for Hereditary cancer-predisposing syndrome. Last evaluated: 2025-07-10. Review status: criteria provided, single submitter. Criteria: ACMG Guidelines, 2015. Collection method: clinical testing. Allele origin: germline. Not counted in ClinVar's aggregate classification.

Blueprint Genetics
Classification: Benign. Last evaluated: 2024-11-26. Review status: criteria provided, single submitter. Criteria: ACMG Guidelines, 2015. Collection method: clinical testing. Allele origin: germline. Not counted in ClinVar's aggregate classification.

Unidad de Genómica Garrahan, Hospital de Pediatría Garrahan
Classification: Benign. Last evaluated: 2024-01-24. Review status: criteria provided, single submitter. Criteria: ACMG Guidelines, 2015. Collection method: clinical testing. Allele origin: germline. Affected: no. Observed: 73 variant alleles. Not counted in ClinVar's aggregate classification.
Comment: This variant is classified as Benign based on local population frequency. This variant was detected in 77% of patients studied by a panel of primary immunodeficiencies. Number of patients: 73. Only high quality variants are reported.

KCCC/NGS Laboratory, Kuwait Cancer Control Center
Classification: Benign for Lynch syndrome 5. Last evaluated: 2023-07-07. Review status: criteria provided, single submitter. Criteria: ACMG Guidelines, 2015. Collection method: clinical testing. Allele origin: germline. Affected: yes. Not counted in ClinVar's aggregate classification.

Fulgent Genetics
Classification: Benign for Endometrial carcinoma; Lynch syndrome 5; Mismatch repair cancer syndrome 3. Last evaluated: 2021-08-11. Review status: criteria provided, single submitter. Criteria: ACMG Guidelines, 2015. Collection method: clinical testing. Allele origin: unknown. Not counted in ClinVar's aggregate classification.

CHEO Genetics Diagnostic Laboratory, Children's Hospital of Eastern Ontario
Classification: Benign for Breast and/or ovarian cancer. Last evaluated: 2021-04-22. Review status: criteria provided, single submitter. Criteria: ACMG Guidelines, 2015. Collection method: clinical testing. Allele origin: germline. Not counted in ClinVar's aggregate classification.

Illumina Laboratory Services, Illumina
Classification: Benign for Lynch syndrome 5. Last evaluated: 2018-01-13. Review status: criteria provided, single submitter. Criteria: ICSL Variant Classification Criteria 13 December 2019. Collection method: clinical testing. Allele origin: germline. Not counted in ClinVar's aggregate classification.
Comment: This variant was observed in the ICSL laboratory as part of a predisposition screen in an ostensibly healthy population. It had not been previously curated by ICSL or reported in the Human Gene Mutation Database (HGMD: prior to June 1st, 2018), and was therefore a candidate for classification through an automated scoring system. Utilizing variant allele frequency, disease prevalence and penetrance estimates, and inheritance mode, an automated score was calculated to assess if this variant is too frequent to cause the disease. Based on the score and internal cut-off values, a variant classified as benign is not then subjected to further curation. The score for this variant resulted in a classification of benign for this disease.

Clinical Genetics DNA and cytogenetics Diagnostics Lab, Erasmus MC, Erasmus Medical Center
Classification: Benign for Lynch syndrome 5. Last evaluated: 2015-09-21. Review status: criteria provided, single submitter. Criteria: ACGS Guidelines, 2013. Collection method: clinical testing. Allele origin: germline. Affected: yes. Study: VKGL Data-share Consensus. Not counted in ClinVar's aggregate classification.

Eurofins Ntd Llc (ga)
Classification: Benign. Last evaluated: 2015-05-27. Review status: criteria provided, single submitter. Criteria: EGL Classification Definitions 2015. Collection method: clinical testing. Allele origin: germline. Observed: 30 variant alleles, 24 heterozygotes, 6 homozygotes. Not counted in ClinVar's aggregate classification.

Color Diagnostics, LLC DBA Color Health
Classification: Benign for Hereditary cancer-predisposing syndrome. Last evaluated: 2015-03-31. Review status: criteria provided, single submitter. Criteria: ACMG Guidelines, 2015. Collection method: clinical testing. Allele origin: germline. Not counted in ClinVar's aggregate classification.

GeneDx
Classification: Benign. Last evaluated: 2014-11-19. Review status: criteria provided, single submitter. Criteria: GeneDx Variant Classification (06012015). Collection method: clinical testing. Allele origin: germline. Affected: yes. Not counted in ClinVar's aggregate classification.
Comment: This variant is considered likely benign or benign based on one or more of the following criteria: it is a conservative change, it occurs at a poorly conserved position in the protein, it is predicted to be benign by multiple in silico algorithms, and/or has population frequency not consistent with disease.

Ambry Genetics
Classification: Benign for Hereditary cancer-predisposing syndrome. Last evaluated: 2014-08-26. Review status: criteria provided, single submitter. Criteria: Ambry Variant Classification Scheme 2023. Collection method: clinical testing. Allele origin: germline. Not counted in ClinVar's aggregate classification.

Laboratory for Molecular Medicine, Mass General Brigham Personalized Medicine
Classification: Benign. Last evaluated: 2011-07-22. Review status: criteria provided, single submitter. Criteria: LMM Criteria. Collection method: clinical testing. Allele origin: germline. Observed: 8 variant alleles. Not counted in ClinVar's aggregate classification.
Comment: This variant is classified as benign based on its high frequency in the general population (rs2020911, MAF >3%).

Breakthrough Genomics
Classification: Benign. Review status: criteria provided, single submitter. Criteria: ACMG Guidelines, 2015. Collection method: not provided. Allele origin: germline. Inheritance: Autosomal recessive inheritance. Affected: yes. Not counted in ClinVar's aggregate classification.

PreventionGenetics, part of Exact Sciences
Classification: Benign. Review status: criteria provided, single submitter. Criteria: ACMG Guidelines, 2015. Collection method: clinical testing. Allele origin: germline. Not counted in ClinVar's aggregate classification.

Counsyl
Classification: Benign for Lynch syndrome 5. Last evaluated: 2015-12-07. Review status: no assertion criteria provided. Collection method: clinical testing. Allele origin: unknown. Not counted in ClinVar's aggregate classification.

Clinical Genetics Laboratory, Department of Pathology, Netherlands Cancer Institute
Classification: Benign. Review status: no assertion criteria provided. Collection method: clinical testing. Allele origin: germline. Affected: yes. Study: VKGL Data-share Consensus. Not counted in ClinVar's aggregate classification.

Clinical Genetics, Academic Medical Center
Classification: Benign. Review status: no assertion criteria provided. Collection method: clinical testing. Allele origin: germline. Affected: yes. Study: VKGL Data-share Consensus. Not counted in ClinVar's aggregate classification.

Department of Pathology and Laboratory Medicine, Sinai Health System
Classification: Benign. Review status: no assertion criteria provided. Collection method: clinical testing. Allele origin: unknown. Affected: yes. Observed: 50 variant alleles. Study: The Canadian Open Genetics Repository (COGR). Not counted in ClinVar's aggregate classification.

Diagnostic Laboratory, Department of Genetics, University Medical Center Groningen
Classification: Benign for Lynch syndrome 5. Review status: no assertion criteria provided. Collection method: clinical testing. Allele origin: germline. Affected: yes. Study: VKGL Data-share Consensus. Not counted in ClinVar's aggregate classification.

Joint Genome Diagnostic Labs from Nijmegen and Maastricht, Radboudumc and MUMC+
Classification: Benign. Review status: no assertion criteria provided. Collection method: clinical testing. Allele origin: germline. Affected: yes. Study: VKGL Data-share Consensus. Not counted in ClinVar's aggregate classification.

Mayo Clinic Laboratories, Mayo Clinic
Classification: Benign. Review status: no assertion criteria provided. Collection method: clinical testing. Allele origin: unknown. Not counted in ClinVar's aggregate classification.